The following is an entry in ClinVar:

ClinVar aggregate classification (germline): Uncertain significance (1 of 4 stars; one submission).

Conditions:
Atrial fibrillation, familial, 7 (ATFB7). Identifiers: MedGen C2677106, MONDO:0012828, OMIM 612240.

Allele frequency attached by ClinVar (database versions not stated): gnomAD exomes below 0.00001.

Submission:

Labcorp Genetics (formerly Invitae), Labcorp
Classification: Uncertain significance for Atrial fibrillation, familial, 7. Last evaluated: 2019-08-27. Review status: criteria provided, single submitter. Criteria: Invitae Variant Classification Sherloc (09022015). Collection method: clinical testing. Allele origin: germline.
Comment: In summary, the available evidence is currently insufficient to determine the role of this variant in disease. Therefore, it has been classified as a Variant of Uncertain Significance. Algorithms developed to predict the effect of missense changes on protein structure and function are either unavailable or do not agree on the potential impact of this missense change (SIFT: "Tolerated"; PolyPhen-2: "Possibly Damaging"; Align-GVGD: "Class C0"). This variant has not been reported in the literature in individuals with KCNA5-related conditions. This variant is not present in population databases (ExAC no frequency). This sequence change replaces alanine with glutamic acid at codon 139 of the KCNA5 protein (p.Ala139Glu). The alanine residue is moderately conserved and there is a moderate physicochemical difference between alanine and glutamic acid.

NM_002234.4(KCNA5):c.416C>A (p.Ala139Glu)

Gene: KCNA5 (potassium voltage-gated channel subfamily A member 5; plus strand). Cytogenetic location: 12p13.32.
Variant type: single nucleotide variant.
Coding change: c.416C>A on transcript NM_002234.4 (MANE Select); coding-DNA position 416, C replaced by A.
Protein change: p.Ala139Glu; replaces alanine 139 with glutamic acid.
Molecular consequence: missense variant.
Genome position (GRCh38, 1-based): chr12:5,044,563, C>A. VCF-style: chr12-5044563-C-A. GRCh37 (hg19) VCF-style: chr12-5153729-C-A.
Other names: short protein forms A139E.
Identifiers: ClinVar variation 961260 (VCV000961260.9), dbSNP rs1351785009, ClinGen allele CA383464386.